The following is an entry in ClinVar:

NM_000257.4(MYH7):c.2591A>C (p.Glu864Ala)

Genes: MYH7 (myosin heavy chain 7; minus strand), LOC126861898 (BRD4-independent group 4 enhancer GRCh37_chr14:23893609-23894808; plus strand). Cytogenetic location: 14q11.2.
Variant type: single nucleotide variant.
Coding change: c.2591A>C on transcript NM_000257.4 (MANE Select); coding-DNA position 2591, A replaced by C.
Protein change: p.Glu864Ala; replaces glutamic acid 864 with alanine.
Molecular consequence: missense variant.
Genome position (GRCh38, 1-based): chr14:23,424,857, T>G on the plus strand (A>C on the coding strand, the complement: MYH7 is on the minus strand). VCF-style: chr14-23424857-T-G. GRCh37 (hg19) VCF-style: chr14-23894066-T-G.
Other names: c.2591A>C, p.Glu864Ala (NM_001407004.1); short protein forms E864A.
Identifiers: ClinVar variation 4810461 (VCV004810461.1).

ClinVar aggregate classification (germline): Uncertain significance (1 of 4 stars; one submission).

Conditions:
Hypertrophic cardiomyopathy. Also called: HYPERTROPHIC MYOCARDIOPATHY. Identifiers: Orphanet 217569, MedGen C0007194, MeSH D002312, MONDO:0005045, HP:0001639.

gnomAD v4.1: 2 of 1,614,112 alleles (0.00012%); highest among the groups gnomAD compares: Non-Finnish European, 0.00017%; no homozygotes.

Submission:

Labcorp Genetics (formerly Invitae), Labcorp
Classification: Uncertain significance for Hypertrophic cardiomyopathy. Last evaluated: 2025-06-03. Review status: criteria provided, single submitter. Criteria: Invitae Variant Classification Sherloc (09022015). Collection method: clinical testing. Allele origin: germline.
Comment: This sequence change replaces glutamic acid, which is acidic and polar, with alanine, which is neutral and non-polar, at codon 864 of the MYH7 protein (p.Glu864Ala). This variant is not present in population databases (gnomAD no frequency). This variant has not been reported in the literature in individuals affected with MYH7-related conditions. Invitae Evidence Modeling of protein sequence and biophysical properties (such as structural, functional, and spatial information, amino acid conservation, physicochemical variation, residue mobility, and thermodynamic stability) indicates that this missense variant is not expected to disrupt MYH7 protein function with a negative predictive value of 95%. In summary, the available evidence is currently insufficient to determine the role of this variant in disease. Therefore, it has been classified as a Variant of Uncertain Significance.